The following is an entry in ClinVar:

ClinVar aggregate classification (germline): Uncertain significance (1 of 4 stars; one submission).

gnomAD v4.1: 1 of 1,614,238 alleles (0.000062%); highest among the groups gnomAD compares: African/African-American, 0.0013%; no homozygotes.

Submission:

Ambry Genetics
Classification: Uncertain significance. Last evaluated: 2024-12-14. Review status: criteria provided, single submitter. Criteria: Ambry Variant Classification Scheme 2023. Collection method: clinical testing. Allele origin: germline.
Comment: The p.D136N variant (also known as c.406G>A), located in coding exon 1 of the MLH3 gene, results from a G to A substitution at nucleotide position 406. The aspartic acid at codon 136 is replaced by asparagine, an amino acid with highly similar properties. This amino acid position is conserved. In addition, this alteration is predicted to be tolerated by in silico analysis. Based on the available evidence, the clinical significance of this variant remains unclear.

NM_001040108.2(MLH3):c.406G>A (p.Asp136Asn)

Gene: MLH3 (mutL homolog 3; minus strand). Cytogenetic location: 14q24.3.
Variant type: single nucleotide variant.
Coding change: c.406G>A on transcript NM_001040108.2 (MANE Select); coding-DNA position 406, G replaced by A.
Protein change: p.Asp136Asn; replaces aspartic acid 136 with asparagine.
Molecular consequence: missense variant.
Genome position (GRCh38, 1-based): chr14:75,049,250, C>T on the plus strand (G>A on the coding strand, the complement: MLH3 is on the minus strand). VCF-style: chr14-75049250-C-T. GRCh37 (hg19) VCF-style: chr14-75515953-C-T.
Other names: c.406G>A, p.Asp136Asn (NM_014381.3); short protein forms D136N.
Identifiers: ClinVar variation 3873453 (VCV003873453.1).
Genomic context (GRCh38, chr14:75,049,250, plus strand): 5'-GAAGCTGGTAAAATAGGTTATACACTGTTACAGTAGTCCCAGCGCTTGCTCTAGTCACAT[C>T]AGCTTCACAAGCTTTCAGGGCTTTTCCACTCTGAAACAGTTTCACAAAAGTTTTCATTGT-3'
Protein context (NP_001035197.1, residues 126-146): SGKALKACEA[Asp136Asn]VTRASAGTTV